The following is an entry in ClinVar:

NM_001261826.3(AP3D1):c.2516A>G (p.Lys839Arg)

Gene: AP3D1 (adaptor related protein complex 3 subunit delta 1; minus strand). Cytogenetic location: 19p13.3.
Variant type: single nucleotide variant.
Coding change: c.2516A>G on transcript NM_001261826.3 (MANE Select); coding-DNA position 2516, A replaced by G.
Protein change: p.Lys839Arg; replaces lysine 839 with arginine.
Molecular consequence: missense variant.
Genome position (GRCh38, 1-based): chr19:2,114,210, T>C on the plus strand (A>G on the coding strand, the complement: AP3D1 is on the minus strand). VCF-style: chr19-2114210-T-C. GRCh37 (hg19) VCF-style: chr19-2114209-T-C.
Other names: c.2516A>G, p.Lys839Arg (NM_001374799.1, NM_003938.8); short protein forms K839R.
Identifiers: ClinVar variation 1703816 (VCV001703816.1), dbSNP rs772475503, ClinGen allele CA9058826.

ClinVar aggregate classification (germline): Uncertain significance (1 of 4 stars; one submission).

Conditions:
Ocular albinism. Identifiers: Orphanet 284804, MedGen C0078917, MeSH D016117, MONDO:0017304, HP:0001107.

Allele frequency attached by ClinVar (database versions not stated): TOPMed below 0.00001; gnomAD exomes 0.00001; ExAC 0.00002.
gnomAD v4.1: 8 of 1,613,058 alleles (0.0005%); highest among the groups gnomAD compares: South Asian, 0.0077%; no homozygotes.

Submission:

ISTH-SSC Genomics in Thrombosis and Hemostasis, KU Leuven, Center for Molecular and Vascular Biology
Classification: Uncertain significance for Ocular albinism. Review status: criteria provided, single submitter. Criteria: ACMG Guidelines, 2015. Collection method: clinical testing. Allele origin: germline. Affected: yes. Observed: 1 heterozygote.
Comment: Submitted to GoldVariant by Kathleen Freson, Center for Molecular and Vascular Biology, Leuven, Belgium